The following is an entry in ClinVar:

ClinVar aggregate classification (germline): Uncertain significance. Review status: criteria provided, multiple submitters, no conflicts (2 of 4 stars). 4 submissions from 4 submitters: Uncertain significance (4). Last evaluated 2023-04-11.

Conditions:
Developmental and epileptic encephalopathy, 23 (DEE23). Also called: Epileptic encephalopathy, early infantile, 23. Identifiers: Orphanet 411986, MedGen C4014492, MONDO:0014371, OMIM 615859.
Inborn genetic diseases. Identifiers: MedGen C0950123, MeSH D030342.

Allele frequency attached by ClinVar (database versions not stated): ExAC 0.00001; gnomAD 0.00001; gnomAD exomes 0.00001 and 0.00002; TOPMed 0.00001.
gnomAD v4.1: 10 of 1,613,700 alleles (0.00062%); highest among the groups gnomAD compares: Non-Finnish European, 0.00085%; no homozygotes.

Submissions (4):

Genome-Nilou Lab
Classification: Uncertain significance for Developmental and epileptic encephalopathy, 23. Last evaluated: 2023-04-11. Review status: criteria provided, single submitter. Criteria: ACMG Guidelines, 2015. Collection method: clinical testing. Allele origin: germline. Affected: no.

Labcorp Genetics (formerly Invitae), Labcorp
Classification: Uncertain significance for Developmental and epileptic encephalopathy, 23. Last evaluated: 2022-03-09. Review status: criteria provided, single submitter. Criteria: Invitae Variant Classification Sherloc (09022015). Collection method: clinical testing. Allele origin: germline.
Comment: In summary, the available evidence is currently insufficient to determine the role of this variant in disease. Therefore, it has been classified as a Variant of Uncertain Significance. Algorithms developed to predict the effect of missense changes on protein structure and function are either unavailable or do not agree on the potential impact of this missense change (SIFT: "Deleterious"; PolyPhen-2: "Possibly Damaging"; Align-GVGD: "Class C0"). ClinVar contains an entry for this variant (Variation ID: 1032725). This variant has not been reported in the literature in individuals affected with DOCK7-related conditions. This variant is present in population databases (rs765024443, gnomAD 0.002%). This sequence change replaces serine, which is neutral and polar, with tyrosine, which is neutral and polar, at codon 1230 of the DOCK7 protein (p.Ser1230Tyr).

Ambry Genetics
Classification: Uncertain significance for Inborn genetic diseases. Last evaluated: 2021-12-06. Review status: criteria provided, single submitter. Criteria: Ambry Variant Classification Scheme 2023. Collection method: clinical testing. Allele origin: germline.

Baylor Genetics
Classification: Uncertain significance for Developmental and epileptic encephalopathy, 23. Last evaluated: 2018-09-11. Review status: criteria provided, single submitter. Criteria: ACMG Guidelines, 2015. Collection method: clinical testing. Allele origin: paternal. Affected: yes.
Comment: This variant was determined to be of uncertain significance according to ACMG Guidelines, 2015 [PMID:25741868].

NM_001367561.1(DOCK7):c.3689C>A (p.Ser1230Tyr)

Gene: DOCK7 (dedicator of cytokinesis 7; minus strand). Cytogenetic location: 1p31.3.
Variant type: single nucleotide variant.
Coding change: c.3689C>A on transcript NM_001367561.1 (MANE Select); coding-DNA position 3689, C replaced by A.
Protein change: p.Ser1230Tyr; replaces serine 1230 with tyrosine.
Molecular consequence: missense variant.
Genome position (GRCh38, 1-based): chr1:62,529,369, G>T on the plus strand (C>A on the coding strand, the complement: DOCK7 is on the minus strand). VCF-style: chr1-62529369-G-T. GRCh37 (hg19) VCF-style: chr1-62995040-G-T.
Other names: c.3689C>A, p.Ser1230Tyr (NM_001271999.2, NM_001330614.2); c.3596C>A, p.Ser1199Tyr (NM_001272000.2, NM_001272001.2, NM_033407.4); c.3596C>A (NM_033407.2); short protein forms S1230Y, S1199Y.
Identifiers: ClinVar variation 1032725 (VCV001032725.6), dbSNP rs765024443, ClinGen allele CA885915.